The following is an entry in ClinVar:

ClinVar aggregate classification (germline): Likely benign (0 of 4 stars; one submission).

Conditions:
CIBAR1-related disorder. Also called: CIBAR1-related condition.

Allele frequency attached by ClinVar (database versions not stated): gnomAD exomes 0.00003; ExAC 0.00004; gnomAD 0.00007; TOPMed 0.00007.
gnomAD v4.1: 54 of 1,613,720 alleles (0.0033%); highest among the groups gnomAD compares: Non-Finnish European, 0.0043%; 1 homozygote.

Submission:

PreventionGenetics, part of Exact Sciences
Classification: Likely benign for CIBAR1-related condition. Last evaluated: 2022-05-10. Review status: no assertion criteria provided. Collection method: clinical testing. Allele origin: germline.
Comment: This variant is classified as likely benign based on ACMG/AMP sequence variant interpretation guidelines (Richards et al. 2015 PMID: 25741868, with internal and published modifications).

NM_145269.5(CIBAR1):c.186G>A (p.Glu62=)

Gene: CIBAR1 (CBY1 interacting BAR domain containing 1; plus strand). Cytogenetic location: 8q22.1.
Variant type: single nucleotide variant.
Coding change: c.186G>A on transcript NM_145269.5 (MANE Select); coding-DNA position 186, G replaced by A.
Protein change: p.Glu62=; no amino-acid change (glutamic acid 62 retained).
Molecular consequence: synonymous variant. On other transcripts: non-coding transcript variant (5).
Genome position (GRCh38, 1-based): chr8:93,701,383, G>A. VCF-style: chr8-93701383-G-A. GRCh37 (hg19) VCF-style: chr8-94713611-G-A.
Other names: c.186G>A, p.Glu62= (NM_001283034.2).
Identifiers: ClinVar variation 3035895 (VCV003035895.2), dbSNP rs576586780, ClinGen allele CA4806543.